The following is an entry in ClinVar:

NC_000001.10:g.(?_167757057)_(167817727_?)dup

Genes: ADCY10 (adenylate cyclase 10; minus strand), MPZL1 (myelin protein zero like 1; plus strand). Cytogenetic location: 1q24.2.
Variant type: Duplication.
Identifiers: ClinVar variation 2426469 (VCV002426469.4).

ClinVar aggregate classification (germline): Uncertain significance (1 of 4 stars; one submission).

Submission:

Labcorp Genetics (formerly Invitae), Labcorp
Classification: Uncertain significance. Last evaluated: 2022-01-13. Review status: criteria provided, single submitter. Criteria: Invitae Variant Classification Sherloc (09022015). Collection method: clinical testing. Allele origin: germline.
Comment: In summary, the available evidence is currently insufficient to determine the role of this variant in disease. Therefore, it has been classified as a Variant of Uncertain Significance. Experimental studies and prediction algorithms are not available or were not evaluated, and the functional significance of this variant is currently unknown. This variant has not been reported in the literature in individuals affected with ADCY10-related conditions. This variant results in a copy number gain of the genomic region encompassing exon(s) 19-33 of the ADCY10 gene. This region includes the termination codon of the gene. This copy number gain extends beyond the assayed region for this gene and therefore may encompass additional genes. As the precise location of this event is unknown, it may be in tandem or it may be located elsewhere in the genome.